The following is an entry in ClinVar:

ClinVar aggregate classification (germline): Uncertain significance. Review status: criteria provided, multiple submitters, no conflicts (2 of 4 stars). 2 submissions from 2 submitters: Uncertain significance (2). Last evaluated 2024-02-27.

Allele frequency attached by ClinVar (database versions not stated): TOPMed 0.00001.

Submissions (2):

Ambry Genetics
Classification: Uncertain significance. Last evaluated: 2024-02-27. Review status: criteria provided, single submitter. Criteria: Ambry Variant Classification Scheme 2023. Collection method: clinical testing. Allele origin: germline.

Labcorp Genetics (formerly Invitae), Labcorp
Classification: Uncertain significance. Last evaluated: 2024-02-15. Review status: criteria provided, single submitter. Criteria: Invitae Variant Classification Sherloc (09022015). Collection method: clinical testing. Allele origin: germline.
Comment: This sequence change replaces isoleucine, which is neutral and non-polar, with phenylalanine, which is neutral and non-polar, at codon 24 of the SIAE protein (p.Ile24Phe). This variant is not present in population databases (gnomAD no frequency). This variant has not been reported in the literature in individuals affected with SIAE-related conditions. An algorithm developed to predict the effect of missense changes on protein structure and function (PolyPhen-2) suggests that this variant is likely to be tolerated. In summary, the available evidence is currently insufficient to determine the role of this variant in disease. Therefore, it has been classified as a Variant of Uncertain Significance.

NM_170601.5(SIAE):c.70A>T (p.Ile24Phe)

Gene: SIAE (sialic acid acetylesterase; minus strand). Cytogenetic location: 11q24.2.
Variant type: single nucleotide variant.
Coding change: c.70A>T on transcript NM_170601.5 (MANE Select); coding-DNA position 70, A replaced by T.
Protein change: p.Ile24Phe; replaces isoleucine 24 with phenylalanine.
Molecular consequence: missense variant. On other transcripts: 5 prime UTR variant (1).
Genome position (GRCh38, 1-based): chr11:124,669,519, T>A on the plus strand (A>T on the coding strand, the complement: SIAE is on the minus strand). VCF-style: chr11-124669519-T-A. GRCh37 (hg19) VCF-style: chr11-124539415-T-A.
Other names: c.70A>T (NM_170601.4); c.-36A>T (NM_001199922.2); short protein forms I24F.
Identifiers: ClinVar variation 2971483 (VCV002971483.4), dbSNP rs1250274545, ClinGen allele CA383122493.